The following is an entry in ClinVar:

NM_012471.3(TRPC5):c.312A>C (p.Ile104=)

Gene: TRPC5 (transient receptor potential cation channel subfamily C member 5; minus strand). Cytogenetic location: Xq23.
Variant type: single nucleotide variant.
Coding change: c.312A>C on transcript NM_012471.3 (MANE Select); coding-DNA position 312, A replaced by C.
Protein change: p.Ile104=; no amino-acid change (isoleucine 104 retained).
Molecular consequence: synonymous variant.
Genome position (GRCh38, 1-based): chrX:111,952,109, T>G on the plus strand (A>C on the coding strand, the complement: TRPC5 is on the minus strand). VCF-style: chrX-111952109-T-G. GRCh37 (hg19) VCF-style: chrX-111195337-T-G.
Identifiers: ClinVar variation 4983356 (VCV004983356.1).

ClinVar aggregate classification (germline): Likely benign (1 of 4 stars; one submission).

Conditions:
TRPC5-related disorder. Also called: TRPC5-related condition.

Submission:

PreventionGenetics, part of Exact Sciences
Classification: Likely benign for TRPC5-related condition. Last evaluated: 2026-02-17. Review status: criteria provided, single submitter. Criteria: ACMG Guidelines, 2015. Collection method: clinical testing. Allele origin: germline.
Comment: This variant is classified as likely benign based on ACMG/AMP sequence variant interpretation guidelines (Richards et al. 2015 PMID: 25741868, with internal and published modifications).